The following is an entry in ClinVar:

NM_022455.5(NSD1):c.6030del (p.Gly2013fs)

Gene: NSD1 (nuclear receptor binding SET domain protein 1; plus strand). Cytogenetic location: 5q35.3.
Variant type: Deletion.
Coding change: c.6030del on transcript NM_022455.5 (MANE Select); coding-DNA position 6030, one base deleted (T; older notation c.6030delT).
Protein change: p.Gly2013fs; shifts the reading frame from glycine 2013.
Molecular consequence: frameshift variant. On other transcripts: intron variant (1).
Genome position (GRCh38, 1-based): chr5:177,283,807, T deleted. VCF-style (leftmost placement, unchanged base first): chr5-177283806-GT-G. GRCh37 (hg19) VCF-style: chr5-176710807-GT-G.
Other names: c.5157del, p.Gly1722fs (NM_172349.5, NM_001365684.2, NM_001409308.1); c.5136+1226del (NM_001409309.1); c.6030del, p.Gly2013fs (NM_001409301.1, NM_001409302.1, NM_001409303.1); c.5610del, p.Gly1873fs (NM_001409304.1); c.5277del, p.Gly1762fs (NM_001409305.1); c.5268del, p.Gly1759fs (NM_001409306.1, NM_001409307.1); short protein forms G1722fs, G1759fs, G1762fs, G1873fs, G2013fs.
Identifiers: ClinVar variation 2574133 (VCV002574133.2), dbSNP rs2480793393, ClinGen allele CA2695198794.
Genomic context (GRCh38, chr5:177,283,806, plus strand): 5'-GTCTCAGGAAGTCTGATGTGTAGCTTCTTTTGGAATTCTAGGACCGAATCATTGATGCTG[GT>G]CCCAAAGGAAACTATGCTCGGTTCATGAATCATTGCTGCCAGCCCAACTGTGAAACACAG-3'

ClinVar aggregate classification (germline): Pathogenic (1 of 4 stars; one submission).

Conditions:
Sotos syndrome (SOTOS). Also called: Sotos' syndrome; Distinctive facial appearance, overgrowth in childhood, and learning disabilities or delayed development; CEREBRAL GIGANTISM; CHROMOSOME 5q35 DELETION SYNDROME; SOTOS SYNDROME 1. Identifiers: Orphanet 821, MedGen C0175695, MONDO:0019349, OMIM 117550.

Submission:

Department of Medical Genetics, National Institute of Health
Classification: Pathogenic for Sotos syndrome. Review status: criteria provided, single submitter. Criteria: ACMG Guidelines, 2015. Collection method: clinical testing. Allele origin: de novo. Inheritance: Autosomal dominant inheritance. Affected: yes. Observed: 1 variant allele, 1 hemizygote.
Comment: It is classified as Pathogenic according to the ACMG guidelines by complying with the PVS1, PM2, and PS2.